The following is an entry in ClinVar:

NM_000059.4(BRCA2):c.1707_1709del (p.Gln569_Asn570delinsHis)

Gene: BRCA2 (BRCA2 DNA repair associated; plus strand). Cytogenetic location: 13q13.1.
Variant type: Deletion.
Coding change: c.1707_1709del on transcript NM_000059.4 (MANE Select); coding-DNA positions 1707 to 1709, 3 bases deleted (GAA; older notation c.1707_1709delGAA).
Protein change: p.Gln569_Asn570delinsHis.
Molecular consequence: inframe indel.
Genome position (GRCh38, 1-based): chr13:32,333,185-32,333,187, GAA deleted; deleting any 3 consecutive bases within chr13:32,333,184-32,333,187 gives the same sequence; the c. name uses the placement nearest the transcript's 3' end. VCF-style (leftmost placement, unchanged base first): chr13-32333183-CAGA-C. GRCh37 (hg19) VCF-style: chr13-32907320-CAGA-C.
Identifiers: ClinVar variation 1477174 (VCV001477174.6), dbSNP rs2137474094, ClinGen allele CA2573149306.

ClinVar aggregate classification (germline): Uncertain significance (1 of 4 stars; one submission).

Conditions:
Hereditary breast ovarian cancer syndrome. Also called: Breast and ovarian cancer; Hereditary breast and ovarian cancer; Hereditary breast and ovarian cancer syndrome; Hereditary breast and ovarian cancer syndrome (HBOC); BRCA1- and BRCA2-Associated Hereditary Breast and Ovarian Cancer; Hereditary breast and/or ovarian cancer syndrome. Identifiers: Orphanet 145, MedGen C0677776, MeSH D061325, MONDO:0003582. Disease mechanism: loss of function.

Submission:

Labcorp Genetics (formerly Invitae), Labcorp
Classification: Uncertain significance for Hereditary breast ovarian cancer syndrome. Last evaluated: 2021-07-22. Review status: criteria provided, single submitter. Criteria: Invitae Variant Classification Sherloc (09022015). Collection method: clinical testing. Allele origin: germline.
Comment: In summary, the available evidence is currently insufficient to determine the role of this variant in disease. Therefore, it has been classified as a Variant of Uncertain Significance. Experimental studies and prediction algorithms are not available or were not evaluated, and the functional significance of this variant is currently unknown. This variant has not been reported in the literature in individuals affected with BRCA2-related conditions. This variant is not present in population databases (ExAC no frequency). This variant, c.1707_1709del, is a complex sequence change that results in the deletion of 2 and insertion of 1 amino acid(s) in the BRCA2 protein (p.Gln569_Asn570delinsHis).